The following is an entry in ClinVar:

ClinVar aggregate classification (germline): Likely benign. Review status: reviewed by expert panel (3 of 4 stars). 3 submissions from 3 submitters: Likely benign (1). 2 of the submissions do not count toward it. Last evaluated 2017-04-18.

Conditions:
RASopathy. Also called: Noonan spectrum disorder; rasopathies. Identifiers: Orphanet 536391, MedGen C5555857, MONDO:0021060.

Allele frequency attached by ClinVar (database versions not stated): TOPMed 0.00006.
gnomAD v4.1: 25 of 1,391,568 alleles (0.0018%); highest among the groups gnomAD compares: East Asian, 0.052%; no homozygotes.

Submissions (3):

ClinGen RASopathy Variant Curation Expert Panel
Classification: Likely benign for Noonan syndrome and Noonan-related syndrome. Last evaluated: 2017-04-18. Review status: reviewed by expert panel. Criteria: ClinGen RASopathy ACMG Specifications v1. Collection method: curation. Allele origin: germline. Inheritance: Autosomal dominant inheritance.
Comment: The filtering allele frequency of the c.1540+8C>A variant in the SHOC2 gene is 0.0459% (8/8654) of East Asian chromosomes by the Exome Aggregation Consortium, which is a high enough frequency to be classified as likely benign based on thresholds defined by the ClinGen RASopathy Expert Panel (BS1; PMID:29493581)

Labcorp Genetics (formerly Invitae), Labcorp
Classification: Likely benign for RASopathy. Last evaluated: 2025-07-23. Review status: criteria provided, single submitter. Criteria: Invitae Variant Classification Sherloc (09022015). Collection method: clinical testing. Allele origin: germline. Not counted in ClinVar's aggregate classification.

Blueprint Genetics
Classification: Likely benign. Last evaluated: 2023-09-22. Review status: criteria provided, single submitter. Criteria: ACMG Guidelines, 2015. Collection method: clinical testing. Allele origin: germline. Not counted in ClinVar's aggregate classification.

NM_007373.4(SHOC2):c.1540+8C>A

Gene: SHOC2 (SHOC2 leucine rich repeat scaffold protein; plus strand). Cytogenetic location: 10q25.2.
Variant type: single nucleotide variant.
Coding change: c.1540+8C>A on transcript NM_007373.4 (MANE Select); 8 bases into the intron after coding-DNA position 1540, C replaced by A.
Molecular consequence: intron variant.
Genome position (GRCh38, 1-based): chr10:111,009,838, C>A. VCF-style: chr10-111009838-C-A. GRCh37 (hg19) VCF-style: chr10-112769596-C-A.
Other names: c.1540+8C>A (NM_001324336.2, NM_001324337.2); c.1402+8C>A (NM_001269039.3).
Identifiers: ClinVar variation 448937 (VCV000448937.12), dbSNP rs771283010, ClinGen allele CA5689793.
Genomic context (GRCh38, chr10:111,009,838, plus strand): 5'-CACACATCTGGGCCTTGGAGAGAACCTACTTACTCACCTTCCTGAAGAAATTGGTATGAA[C>A]CCTGTGAATGCTTGACTCTGTACTAATAATTTGCTCTTGTGCATTCAAGCAATATTTCAG-3'